The following is an entry in ClinVar:

NM_001166108.2(PALLD):c.2509A>C (p.Lys837Gln)

Genes: CBR4 (carbonyl reductase 4; minus strand), PALLD (palladin, cytoskeletal associated protein; plus strand). Cytogenetic location: 4q32.3.
Variant type: single nucleotide variant.
Coding change: c.2509A>C on transcript NM_001166108.2 (MANE Select); coding-DNA position 2509, A replaced by C.
Protein change: p.Lys837Gln; replaces lysine 837 with glutamine.
Molecular consequence: missense variant.
Genome position (GRCh38, 1-based): chr4:168,903,793, A>C. VCF-style: chr4-168903793-A-C. GRCh37 (hg19) VCF-style: chr4-169824944-A-C.
Other names: c.1312A>C, p.Lys438Gln (NM_001166109.2); c.997A>C, p.Lys333Gln (NM_001166110.2); c.337A>C, p.Lys113Gln (NM_001367567.1, NM_001367569.1); c.388A>C, p.Lys130Gln (NM_001367568.1, NM_001367570.1); c.2458A>C, p.Lys820Gln (NM_016081.4); short protein forms K820Q, K113Q, K438Q, K837Q, K333Q, K130Q.
Identifiers: ClinVar variation 5026222 (VCV005026222.1).

ClinVar aggregate classification (germline): Uncertain significance (1 of 4 stars; one submission).

Submission:

Ambry Genetics
Classification: Uncertain significance. Last evaluated: 2026-07-12. Review status: criteria provided, single submitter. Criteria: Ambry Variant Classification Scheme 2023. Collection method: clinical testing. Allele origin: germline.
Comment: The p.K333Q variant (also known as c.997A>C), located in coding exon 5 of the PALLD gene, results from an A to C substitution at nucleotide position 997. The lysine at codon 333 is replaced by glutamine, an amino acid with similar properties. This amino acid position is conserved. In addition, this alteration is predicted to be tolerated by in silico analysis. Based on the available evidence, the clinical significance of this variant remains unclear.